The following is an entry in ClinVar:

NM_006904.7(PRKDC):c.2458C>T (p.Arg820Trp)

Gene: PRKDC (protein kinase, DNA-activated, catalytic subunit; minus strand). Cytogenetic location: 8q11.21.
Variant type: single nucleotide variant.
Coding change: c.2458C>T on transcript NM_006904.7 (MANE Select); coding-DNA position 2458, C replaced by T.
Protein change: p.Arg820Trp; replaces arginine 820 with tryptophan.
Molecular consequence: missense variant.
Genome position (GRCh38, 1-based): chr8:47,918,345, G>A on the plus strand (C>T on the coding strand, the complement: PRKDC is on the minus strand). VCF-style: chr8-47918345-G-A. GRCh37 (hg19) VCF-style: chr8-48830905-G-A.
Other names: c.2458C>T, p.Arg820Trp (NM_001081640.2); short protein forms R820W.
Identifiers: ClinVar variation 1052638 (VCV001052638.9), dbSNP rs1019925698, ClinGen allele CA176161345.
Genomic context (GRCh38, chr8:47,918,345, plus strand): 5'-GGTTCTTTGTCTTCTTCAGATGCTTTAACACCACTTTATTAAATCCTTTCTGGGCAGCCC[G>A]AGAAAGAGCTGACACTTCCCAGTTATTCTTGGTCTCATCTATCAATAGTAAACGAAAATA-3'
Protein context (NP_008835.5, residues 810-830): KNNWEVSALS[Arg820Trp]AAQKGFNKVV

ClinVar aggregate classification (germline): Uncertain significance. Review status: criteria provided, multiple submitters, no conflicts (2 of 4 stars). 2 submissions from 2 submitters: Uncertain significance (2). Last evaluated 2024-01-03.

Conditions:
Severe combined immunodeficiency due to DNA-PKcs deficiency. Also called: Immunodeficiency 26 with or without neurologic abnormalities; IMMUNODEFICIENCY 26 WITH NEUROLOGIC ABNORMALITIES. Identifiers: Orphanet 317425, MedGen C4014833, MONDO:0014423, OMIM 615966.

Allele frequency attached by ClinVar (database versions not stated): TOPMed below 0.00001; gnomAD exomes 0.00001.
gnomAD v4.1: 8 of 1,593,302 alleles (0.0005%); highest among the groups gnomAD compares: East Asian, 0.0045%; no homozygotes.

Submissions (2):

Ambry Genetics
Classification: Uncertain significance. Last evaluated: 2024-01-03. Review status: criteria provided, single submitter. Criteria: Ambry Variant Classification Scheme 2023. Collection method: clinical testing. Allele origin: germline.

Labcorp Genetics (formerly Invitae), Labcorp
Classification: Uncertain significance for Severe combined immunodeficiency due to DNA-PKcs deficiency. Last evaluated: 2020-06-16. Review status: criteria provided, single submitter. Criteria: Invitae Variant Classification Sherloc (09022015). Collection method: clinical testing. Allele origin: germline.
Comment: In summary, the available evidence is currently insufficient to determine the role of this variant in disease. Therefore, it has been classified as a Variant of Uncertain Significance. Experimental studies and prediction algorithms are not available or were not evaluated, and the functional significance of this variant is currently unknown. This variant has not been reported in the literature in individuals with PRKDC-related conditions. This variant is not present in population databases (ExAC no frequency). This sequence change replaces arginine with tryptophan at codon 820 of the PRKDC protein (p.Arg820Trp). The arginine residue is moderately conserved and there is a moderate physicochemical difference between arginine and tryptophan.